The following is an entry in ClinVar:

NM_206933.4(USH2A):c.13915C>T (p.His4639Tyr)

Gene: USH2A (usherin; minus strand). Cytogenetic location: 1q41.
Variant type: single nucleotide variant.
Coding change: c.13915C>T on transcript NM_206933.4 (MANE Select); coding-DNA position 13915, C replaced by T.
Protein change: p.His4639Tyr; replaces histidine 4639 with tyrosine.
Molecular consequence: missense variant.
Genome position (GRCh38, 1-based): chr1:215,671,190, G>A on the plus strand (C>T on the coding strand, the complement: USH2A is on the minus strand). VCF-style: chr1-215671190-G-A. GRCh37 (hg19) VCF-style: chr1-215844532-G-A.
Other names: short protein forms H4639Y.
Identifiers: ClinVar variation 4062589 (VCV004062589.9).

ClinVar aggregate classification (germline): Uncertain significance. Review status: criteria provided, single submitter (1 of 4 stars). 2 submissions from 2 submitters: Uncertain significance (1). 1 of the submissions does not count toward it. Last evaluated 2025-07-01.

Conditions:
Usher syndrome type 2A. Also called: RETINAL DISEASE IN USHER SYNDROME TYPE IIA, MODIFIER OF; USHER SYNDROME, TYPE IIA. Identifiers: Orphanet 231178, Orphanet 886, MedGen C1848634, MONDO:0010169, OMIM 276901.

Submissions (2):

CeGaT Center for Human Genetics Tuebingen
Classification: Uncertain significance. Last evaluated: 2025-07-01. Review status: criteria provided, single submitter. Criteria: CeGaT Center For Human Genetics Tuebingen Variant Classification Criteria Version 2. Collection method: clinical testing. Allele origin: germline. Affected: yes. Observed: 1 variant allele.
Comment: USH2A: PM2, BP4

Natera, Inc.
Classification: Uncertain significance for Usher syndrome type 2A. Last evaluated: 2025-05-05. Review status: no assertion criteria provided. Collection method: clinical testing. Allele origin: germline. Not counted in ClinVar's aggregate classification.